The following is an entry in ClinVar:

ClinVar aggregate classification (germline): Uncertain significance. Review status: criteria provided, multiple submitters, no conflicts (2 of 4 stars). 2 submissions from 2 submitters: Uncertain significance (2). Last evaluated 2025-05-29.

Conditions:
Developmental and epileptic encephalopathy, 2 (DEE2). Also called: INFANTILE SPASM SYNDROME, X-LINKED 2; CDKL5 deficiency disorder. Identifiers: Orphanet 1934, Orphanet 3451, Orphanet 505652, MedGen C4750718, MONDO:0010396, OMIM 300672.
Angelman syndrome-like. Identifiers: MedGen CN128785.
Inborn genetic diseases. Identifiers: MedGen C0950123, MeSH D030342.

Submissions (2):

Ambry Genetics
Classification: Uncertain significance for Inborn genetic diseases. Last evaluated: 2025-05-29. Review status: criteria provided, single submitter. Criteria: Ambry Variant Classification Scheme 2023. Collection method: clinical testing. Allele origin: germline.

Labcorp Genetics (formerly Invitae), Labcorp
Classification: Uncertain significance for Developmental and epileptic encephalopathy, 2; Angelman syndrome-like. Last evaluated: 2023-08-18. Review status: criteria provided, single submitter. Criteria: Invitae Variant Classification Sherloc (09022015). Collection method: clinical testing. Allele origin: germline.
Comment: In summary, the available evidence is currently insufficient to determine the role of this variant in disease. Therefore, it has been classified as a Variant of Uncertain Significance. Advanced modeling of protein sequence and biophysical properties (such as structural, functional, and spatial information, amino acid conservation, physicochemical variation, residue mobility, and thermodynamic stability) performed at Invitae indicates that this missense variant is not expected to disrupt CDKL5 protein function. This variant has not been reported in the literature in individuals affected with CDKL5-related conditions. This variant is not present in population databases (gnomAD no frequency). This sequence change replaces glutamine, which is neutral and polar, with leucine, which is neutral and non-polar, at codon 389 of the CDKL5 protein (p.Gln389Leu).

NM_001323289.2(CDKL5):c.1166A>T (p.Gln389Leu)

Gene: CDKL5 (cyclin dependent kinase like 5; plus strand). Cytogenetic location: Xp22.13.
Variant type: single nucleotide variant.
Coding change: c.1166A>T on transcript NM_001323289.2 (MANE Select); coding-DNA position 1166, A replaced by T.
Protein change: p.Gln389Leu; replaces glutamine 389 with leucine.
Molecular consequence: missense variant.
Genome position (GRCh38, 1-based): chrX:18,604,090, A>T. VCF-style: chrX-18604090-A-T. GRCh37 (hg19) VCF-style: chrX-18622210-A-T.
Other names: c.1166A>T (NM_003159.2); c.1166A>T, p.Gln389Leu (NM_001037343.2, NM_003159.3); short protein forms Q389L.
Identifiers: ClinVar variation 2948779 (VCV002948779.4), dbSNP rs1301249176, ClinGen allele CA412359751.
Genomic context (GRCh38, chrX:18,604,090, plus strand): 5'-GAAACCTTGCTGGAGCTAGTCTTAGTCCACTGCACACCAAAACCTACCAAGCAAGCAGCC[A>T]GCCTGGGTCTACCAGCAAAGATCTCACCAACAACAACATACCACACCTTCTTAGCCCAAA-3'
Protein context (NP_001310218.1, residues 379-399): LHTKTYQASS[Gln389Leu]PGSTSKDLTN